The following is an entry in ClinVar:

ClinVar aggregate classification (germline): Likely pathogenic (1 of 4 stars; one submission).

Conditions:
Mucopolysaccharidosis, MPS-III-C (MPS3C). Also called: MUCOPOLYSACCHARIDOSIS, TYPE IIIC; Mucopolysaccharidosis type IIIC (Sanfilippo C); SANFILIPPO SYNDROME C; MPS III C; mucopolysaccharidosis type 3C; MPS IIIC (Sanfilippo Syndrome Type C). Identifiers: Orphanet 581, Orphanet 79271, MedGen C0086649, MONDO:0009657, OMIM 252930.

Submission:

Myriad Genetics, Inc.
Classification: Likely pathogenic for Mucopolysaccharidosis, MPS-III-C. Last evaluated: 2022-05-18. Review status: criteria provided, single submitter. Criteria: Myriad Women's Health Autosomal Recessive and X-Linked Classification Criteria (2021). Collection method: clinical testing. Allele origin: unknown.
Comment: NM_152419.2(HGSNAT):c.728dupT(D244Gfs*36) is expected to be pathogenic in the context of mucopolysaccharidosis type IIIC. This variant is predicted to lead to an abnormal or absent protein product due to the creation of a premature termination codon in HGSNAT, a gene where loss-of-function variants are known to be pathogenic. Please note: this variant was assessed in the context of healthy population screening.

NM_152419.3(HGSNAT):c.728dup (p.Asp244fs)

Gene: HGSNAT (heparan-alpha-glucosaminide N-acetyltransferase; plus strand). Cytogenetic location: 8p11.21.
Variant type: Duplication.
Coding change: c.728dup on transcript NM_152419.3 (MANE Select); coding-DNA position 728, one base duplicated (T; older notation c.728dupT).
Protein change: p.Asp244fs; shifts the reading frame from aspartic acid 244.
Molecular consequence: frameshift variant. On other transcripts: 5 prime UTR variant (1).
Genome position (GRCh38, 1-based): chr8:43,170,679, T duplicated. VCF-style (leftmost placement, unchanged base first): chr8-43170678-G-GT. GRCh37 (hg19) VCF-style: chr8-43025821-G-GT.
Other names: c.728dup, p.Asp244fs (NM_001363227.2, NM_001363228.2); c.-106dup (NM_001363229.2); short protein forms D244fs.
Identifiers: ClinVar variation 1726164 (VCV001726164.2), dbSNP rs2486963908, ClinGen allele CA2580078382.